The following is an entry in ClinVar:

ClinVar aggregate classification (germline): Pathogenic (1 of 4 stars; one submission).
ClinVar aggregate classification (somatic clinical impact): Tier I - Strong (1 of 4 stars; one submission).

Conditions:
Gastrointestinal stromal tumor. Also called: Gastrointestinal stromal tumor, somatic; Gastrointestinal stroma tumor. Identifiers: Orphanet 44890, MedGen C0238198, MeSH D046152, MONDO:0011719, OMIM 606764, HP:0100723.
Germinoma. Also called: Germinoma (disease). Identifiers: MedGen C0206660, MONDO:0002598, HP:0100620.

Allele frequency attached by ClinVar (database versions not stated): gnomAD exomes below 0.00001.
gnomAD v4.1: 1 of 1,608,020 alleles (0.000062%); highest among the groups gnomAD compares: East Asian, 0.0022%; no homozygotes.

Submissions (3):

Labcorp Genetics (formerly Invitae), Labcorp
Classification: Pathogenic for Gastrointestinal stromal tumor. Last evaluated: 2025-08-21. Review status: criteria provided, single submitter. Criteria: Invitae Variant Classification Sherloc (09022015). Collection method: clinical testing. Allele origin: germline.
Comment: This sequence change replaces alanine, which is neutral and non-polar, with proline, which is neutral and non-polar, at codon 829 of the KIT protein (p.Ala829Pro). This variant is not present in population databases (gnomAD no frequency). This missense change has been observed in individual(s) with gastrointestinal stromal tumor syndrome, hyperpigmentation and lentigines (PMID: 29923175, 31497890, 35753512, 36614290; internal data). It has also been observed to segregate with disease in related individuals. ClinVar contains an entry for this variant (Variation ID: 375933). An algorithm developed to predict the effect of missense changes on protein structure and function (PolyPhen-2) suggests that this variant is likely to be disruptive. Experimental studies have shown that this missense change affects KIT function (PMID: 36614290). For these reasons, this variant has been classified as Pathogenic.

Institute for Genomic Medicine (IGM) Clinical Laboratory, Nationwide Children's Hospital
Classification: Tier I - Strong for Germinoma. Assertion type: diagnostic. Clinical significance: supports diagnosis. Last evaluated: 2024-12-11. Review status: criteria provided, single submitter. Criteria: AMP/ASCO/CAP Guidelines, 2017. Collection method: clinical testing. Allele origin: somatic. Affected: yes.
Comment: Variant has Tier I (strong) clinical significance as a diagnostic inclusion criterion in germinoma, based on the following evidence: 1) Documented in one or more cancer databases (e.g., St. Jude Pecan, COSMIC, CIViC, OncoKB). 2) Appears in one or more well-established professional guidelines (e.g., World Health Organization [WHO]; National Comprehensive Cancer Network [NCCN]) as providing diagnostic, prognostic, or therapeutic information. 3) Diagnostic for a specific tumor type/classification based on well-powered studies with expert-level consensus (Evidence Level B; PMIDs: 24452629, 24896186, 27391150).

Dr. Peter K. Rogan Lab, Western University
No classification provided (evidence only). Condition: Germ cell tumor of testis. Review status: no classification provided. Collection method: in vitro. Allele origin: not applicable. Functional consequence: retained intron. Not counted in ClinVar's aggregate classification.

Literature cited by the submitters: PubMed 29923175 (cited by Labcorp Genetics (formerly Invitae), Labcorp); PubMed 31497890 (cited by Labcorp Genetics (formerly Invitae), Labcorp); PubMed 35753512 (cited by Labcorp Genetics (formerly Invitae), Labcorp); PubMed 36614290 (cited by Labcorp Genetics (formerly Invitae), Labcorp); PubMed 24452629 (cited by Institute for Genomic Medicine (IGM) Clinical Laboratory, Nationwide Children's Hospital); PubMed 24896186 (cited by Institute for Genomic Medicine (IGM) Clinical Laboratory, Nationwide Children's Hospital); PubMed 27391150 (cited by Institute for Genomic Medicine (IGM) Clinical Laboratory, Nationwide Children's Hospital).

NM_000222.3(KIT):c.2485G>C (p.Ala829Pro)

Gene: KIT (KIT proto-oncogene, receptor tyrosine kinase; plus strand). Cytogenetic location: 4q12.
Variant type: single nucleotide variant.
Coding change: c.2485G>C on transcript NM_000222.3 (MANE Select); coding-DNA position 2485, G replaced by C.
Protein change: p.Ala829Pro; replaces alanine 829 with proline.
Molecular consequence: missense variant.
Genome position (GRCh38, 1-based): chr4:54,736,498, G>C. VCF-style: chr4-54736498-G-C. GRCh37 (hg19) VCF-style: chr4-55602664-G-C.
Other names: c.2473G>C, p.Ala825Pro (NM_001093772.2, NM_001385292.1); c.2488G>C, p.Ala830Pro (NM_001385284.1); c.2482G>C, p.Ala828Pro (NM_001385285.1); c.2470G>C, p.Ala824Pro (NM_001385286.1); c.2476G>C, p.Ala826Pro (NM_001385288.1); c.2485G>C, p.Ala829Pro (NM_001385290.1); short protein forms A829P, A825P, A824P, A826P, A828P, A830P.
Identifiers: ClinVar variation 375933 (VCV000375933.6), dbSNP rs1057519713, ClinGen allele CA16602413.